The following is an entry in ClinVar:

NM_015272.5(RPGRIP1L):c.3027A>G (p.Glu1009=)

Gene: RPGRIP1L (RPGRIP1 like; minus strand). Cytogenetic location: 16q12.2.
Variant type: single nucleotide variant.
Coding change: c.3027A>G on transcript NM_015272.5 (MANE Select); coding-DNA position 3027, A replaced by G.
Protein change: p.Glu1009=; no amino-acid change (glutamic acid 1009 retained).
Molecular consequence: synonymous variant. On other transcripts: intron variant (2).
Genome position (GRCh38, 1-based): chr16:53,638,343, T>C on the plus strand (A>G on the coding strand, the complement: RPGRIP1L is on the minus strand). VCF-style: chr16-53638343-T-C. GRCh37 (hg19) VCF-style: chr16-53672255-T-C.
Other names: p.Glu1009=; c.3027A>G, p.Glu1009= (NM_001308334.3); c.2959-489A>G (NM_001127897.4, NM_001330538.2).
Identifiers: ClinVar variation 4684100 (VCV004684100.1).
Genomic context (GRCh38, chr16:53,638,343, plus strand): 5'-CAAAATAATTTTAACACAAATGCATACCTTGGGAACATGTGGAACAGTCAGCATATTAAT[T>C]TCTATTTCTGGTATATGCTCTACCTCTGGTGAAATTTCCTTCCTATCTTCAGGAGGAGGA-3'
Protein context (NP_056087.2, residues 999-1019): SPEVEHIPEI[Glu1009=]INMLTVPHVP

ClinVar aggregate classification (germline): Likely benign (1 of 4 stars; one submission).

gnomAD v4.1: 1 of 1,596,266 alleles (0.000063%); highest among the groups gnomAD compares: Non-Finnish European, 0.000086%; no homozygotes.

Submission:

Mayo Clinic Laboratories, Mayo Clinic
Classification: Likely benign. Last evaluated: 2025-07-23. Review status: criteria provided, single submitter. Criteria: ACMG Guidelines, 2015. Collection method: clinical testing. Allele origin: germline. Observed: 1 variant allele.
Comment: BP4, BP7